The following is an entry in ClinVar:

NM_001364171.2(ODAD1):c.1925G>A (p.Ser642Asn)

Gene: ODAD1 (outer dynein arm docking complex subunit 1; minus strand). Cytogenetic location: 19q13.33.
Variant type: single nucleotide variant.
Coding change: c.1925G>A on transcript NM_001364171.2 (MANE Select); coding-DNA position 1925, G replaced by A.
Protein change: p.Ser642Asn; replaces serine 642 with asparagine.
Molecular consequence: missense variant.
Genome position (GRCh38, 1-based): chr19:48,297,175, C>T on the plus strand (G>A on the coding strand, the complement: ODAD1 is on the minus strand). VCF-style: chr19-48297175-C-T. GRCh37 (hg19) VCF-style: chr19-48800432-C-T.
Other names: c.1814G>A, p.Ser605Asn (NM_144577.4); short protein forms S605N, S642N.
Identifiers: ClinVar variation 1799830 (VCV001799830.2), dbSNP rs2515924065, ClinGen allele CA406651575.

ClinVar aggregate classification (germline): Uncertain significance (1 of 4 stars; one submission).

Conditions:
Primary ciliary dyskinesia. Also called: Ciliary dyskinesia. Identifiers: Orphanet 244, MedGen C0008780, MONDO:0016575, HP:0012265.

Submission:

Ambry Genetics
Classification: Uncertain significance for Primary ciliary dyskinesia. Last evaluated: 2021-11-14. Review status: criteria provided, single submitter. Criteria: Ambry Variant Classification Scheme 2023. Collection method: clinical testing. Allele origin: germline.
Comment: The p.S605N variant (also known as c.1814G>A), located in coding exon 13 of the CCDC114 gene, results from a G to A substitution at nucleotide position 1814. The serine at codon 605 is replaced by asparagine, an amino acid with highly similar properties. This amino acid position is conserved. In addition, this alteration is predicted to be tolerated by in silico analysis. Since supporting evidence is limited at this time, the clinical significance of this alteration remains unclear.